The following is an entry in ClinVar:

ClinVar aggregate classification (germline): Conflicting classifications of pathogenicity. Review status: criteria provided, conflicting classifications (1 of 4 stars). 3 submissions from 3 submitters: Uncertain significance (1); Likely benign (1). 1 of the submissions does not count toward it. Last evaluated 2025-06-01.

Conditions:
CEP290-related disorder. Also called: CEP290-related disorders; CEP290-related condition. Identifiers: MedGen CN239314.
Meckel-Gruber syndrome. Also called: Dysencephalia splachnocystica; DYSENCEPHALIA SPLANCHNOCYSTICA; GRUBER SYNDROME. Identifiers: Orphanet 564, MedGen C0265215, MONDO:0018921.
Nephronophthisis. Also called: Juvenile Nephronophthisis. Identifiers: Orphanet 655, MedGen C0687120, MONDO:0019005, HP:0000090.
Joubert syndrome. Also called: CEREBELLOPARENCHYMAL DISORDER IV; JOUBERT-BOLTSHAUSER SYNDROME; Familial aplasia of the vermis. Identifiers: Orphanet 475, MedGen C5979921, MONDO:0018772.

Allele frequency attached by ClinVar (database versions not stated): ExAC below 0.00001; gnomAD 0.00005 and 0.00006; TOPMed 0.00006.
gnomAD v4.1: 66 of 1,520,550 alleles (0.0043%); highest among the groups gnomAD compares: Non-Finnish European, 0.0056%; no homozygotes.

Submissions (3):

Labcorp Genetics (formerly Invitae), Labcorp
Classification: Likely benign for Joubert syndrome; Meckel-Gruber syndrome; Nephronophthisis. Last evaluated: 2025-06-01. Review status: criteria provided, single submitter. Criteria: Invitae Variant Classification Sherloc (09022015). Collection method: clinical testing. Allele origin: germline.

Genetic Services Laboratory, University of Chicago
Classification: Uncertain significance. Last evaluated: 2015-06-29. Review status: criteria provided, single submitter. Criteria: ACMG Guidelines, 2015. Collection method: clinical testing. Allele origin: germline.

PreventionGenetics, part of Exact Sciences
Classification: Likely benign for CEP290-related condition. Last evaluated: 2022-02-10. Review status: no assertion criteria provided. Collection method: clinical testing. Allele origin: germline. Not counted in ClinVar's aggregate classification.
Comment: This variant is classified as likely benign based on ACMG/AMP sequence variant interpretation guidelines (Richards et al. 2015 PMID: 25741868, with internal and published modifications).

NM_025114.4(CEP290):c.1440A>G (p.Glu480=)

Gene: CEP290 (centrosomal protein 290; minus strand). Cytogenetic location: 12q21.32.
Variant type: single nucleotide variant.
Coding change: c.1440A>G on transcript NM_025114.4 (MANE Select); coding-DNA position 1440, A replaced by G.
Protein change: p.Glu480=; no amino-acid change (glutamic acid 480 retained).
Molecular consequence: synonymous variant.
Genome position (GRCh38, 1-based): chr12:88,120,196, T>C on the plus strand (A>G on the coding strand, the complement: CEP290 is on the minus strand). VCF-style: chr12-88120196-T-C. GRCh37 (hg19) VCF-style: chr12-88513973-T-C.
Identifiers: ClinVar variation 210692 (VCV000210692.19), dbSNP rs777299440, ClinGen allele CA206543.
Genomic context (GRCh38, chr12:88,120,196, plus strand): 5'-ATTTTCATCAAGGAAATCACTGATCTTCAATTCAAGTTTATTGATTTCCTTTGTTAATAT[T>C]TCAATCTCTCGATCTCTTATTTTAATTTGGTTTTTACAATTCTTTATTTCAACGACAGCA-3'
Protein context (NP_079390.3, residues 470-490): NQIKIRDREI[Glu480=]ILTKEINKLE